The following is an entry in ClinVar:

NM_022042.4(SLC26A1):c.1900C>T (p.Arg634Cys)

Genes: IDUA (alpha-L-iduronidase; plus strand), SLC26A1 (solute carrier family 26 member 1; minus strand). Cytogenetic location: 4p16.3.
Variant type: single nucleotide variant.
Coding change: c.1900C>T on transcript NM_022042.4 (MANE Select); coding-DNA position 1900, C replaced by T.
Protein change: p.Arg634Cys; replaces arginine 634 with cysteine.
Molecular consequence: missense variant. On other transcripts: intron variant (2).
Genome position (GRCh38, 1-based): chr4:989,039, G>A on the plus strand (C>T on the coding strand, the complement: SLC26A1 is on the minus strand). VCF-style: chr4-989039-G-A. GRCh37 (hg19) VCF-style: chr4-982827-G-A.
Other names: c.1900C>T, p.Arg634Cys (NM_213613.4); c.576+2089C>T (NM_134425.4); c.299+1090G>A (NM_000203.5); short protein forms R634C.
Identifiers: ClinVar variation 1523905 (VCV001523905.8), dbSNP rs1461885620, ClinGen allele CA355948817.

ClinVar aggregate classification (germline): Uncertain significance (1 of 4 stars; one submission).

Allele frequency attached by ClinVar (database versions not stated): gnomAD exomes 0.00001; gnomAD 0.00003; TOPMed 0.00004.
gnomAD v4.1: 26 of 1,579,604 alleles (0.0016%); highest among the groups gnomAD compares: East Asian, 0.0047%; no homozygotes.

Submission:

Labcorp Genetics (formerly Invitae), Labcorp
Classification: Uncertain significance. Last evaluated: 2020-12-08. Review status: criteria provided, single submitter. Criteria: Invitae Variant Classification Sherloc (09022015). Collection method: clinical testing. Allele origin: germline.
Comment: This sequence change replaces arginine with cysteine at codon 634 of the SLC26A1 protein (p.Arg634Cys). The arginine residue is moderately conserved and there is a large physicochemical difference between arginine and cysteine. This variant is not present in population databases (ExAC no frequency). This variant has not been reported in the literature in individuals with SLC26A1-related conditions. Algorithms developed to predict the effect of missense changes on protein structure and function are either unavailable or do not agree on the potential impact of this missense change (SIFT: "Deleterious"; PolyPhen-2: "Possibly Damaging"; Align-GVGD: "Class C0"). In summary, the available evidence is currently insufficient to determine the role of this variant in disease. Therefore, it has been classified as a Variant of Uncertain Significance.